The following is an entry in ClinVar:

ClinVar aggregate classification (germline): Likely benign. Review status: criteria provided, multiple submitters, no conflicts (2 of 4 stars). 2 submissions from 2 submitters: Likely benign (2). Last evaluated 2026-08-01.

Allele frequency attached by ClinVar (database versions not stated): gnomAD exomes 0.00005 and 0.00010; ExAC 0.00006; gnomAD 0.00012 and 0.00013; 1000 Genomes Project 0.00020; TOPMed 0.00020; 1000 Genomes Project 30x 0.00031.
gnomAD v4.1: 100 of 1,613,894 alleles (0.0062%); highest among the groups gnomAD compares: Admixed American, 0.068%; no homozygotes.

Submissions (2):

CeGaT Center for Human Genetics Tuebingen
Classification: Likely benign. Last evaluated: 2026-08-01. Review status: criteria provided, single submitter. Criteria: CeGaT Center For Human Genetics Tuebingen Variant Classification Criteria Version 2. Collection method: clinical testing. Allele origin: germline. Affected: yes. Observed: 1 variant allele.
Comment: DYM: BP4, BP7

Labcorp Genetics (formerly Invitae), Labcorp
Classification: Likely benign. Last evaluated: 2025-12-11. Review status: criteria provided, single submitter. Criteria: Invitae Variant Classification Sherloc (09022015). Collection method: clinical testing. Allele origin: germline.

NM_001353214.3(DYM):c.957T>C (p.Pro319=)

Gene: DYM (dymeclin; minus strand). Cytogenetic location: 18q21.1.
Variant type: single nucleotide variant.
Coding change: c.957T>C on transcript NM_001353214.3 (MANE Select); coding-DNA position 957, T replaced by C.
Protein change: p.Pro319=; no amino-acid change (proline 319 retained).
Molecular consequence: synonymous variant.
Genome position (GRCh38, 1-based): chr18:49,282,165, A>G on the plus strand (T>C on the coding strand, the complement: DYM is on the minus strand). VCF-style: chr18-49282165-A-G. GRCh37 (hg19) VCF-style: chr18-46808535-A-G.
Other names: c.954T>C, p.Pro318= (NM_001353210.3, NM_001353211.3, NM_001353212.3 and 3 more transcripts); c.957T>C, p.Pro319= (NM_001353215.3, NM_001353216.3, NM_001374428.1 and 5 more transcripts); c.951T>C, p.Pro317= (NM_001374429.1, NM_001374439.1); c.831T>C, p.Pro277= (NM_001374432.1, NM_001374436.1); c.774T>C, p.Pro258= (NM_001374437.1); c.729T>C, p.Pro243= (NM_001374440.1); c.387T>C, p.Pro129= (NM_001374441.1, NM_001374442.1, NM_001374444.1); c.384T>C, p.Pro128= (NM_001374443.1).
Identifiers: ClinVar variation 1397168 (VCV001397168.9), dbSNP rs542338974, ClinGen allele CA8958188.
Genomic context (GRCh38, chr18:49,282,165, plus strand): 5'-AAGAGCTGTGTACAAACTATTAAAGTTGATCTGGAAGGCATGTGGAATTGATGAGGGGAA[A>G]GGACTGCTATCTGGAATACAGAAAACAGCACATCAGTAATTTCTAGCTGTGCTTTATATA-3'
Protein context (NP_001340143.1, residues 309-329): MSFKNTQDSS[Pro319=]FPSSIPHAFQ